The following is an entry in ClinVar:

ClinVar aggregate classification (germline): not provided (0 of 4 stars; one submission).

Conditions:
Familial long QT syndrome (RWS). Also called: Congenital long QT syndrome; Romano-Ward syndrome; VENTRICULAR FIBRILLATION WITH PROLONGED QT INTERVAL. Identifiers: Orphanet 768, MedGen C1141890, MONDO:0019171.

Submission:

Cardiovascular Biomedical Research Unit, Royal Brompton & Harefield NHS Foundation Trust
No classification provided. Condition: Familial long QT syndrome. Review status: no classification provided. Collection method: literature only. Allele origin: germline.
Comment: This variant has been reported as associated with Long QT syndrome in the following publications (PMID:10187793;PMID:10973849;PMID:11854117;PMID:15840476;PMID:19841300;PMID:21536673;PMID:22396785). This is a literature report, and does not necessarily reflect the clinical interpretation of the Imperial College / Royal Brompton Cardiovascular Genetics laboratory.

Literature cited by the submitters: PubMed 10187793; PubMed 10973849; PubMed 11854117; PubMed 15840476; PubMed 19841300; PubMed 21536673; PubMed 22396785; PubMed 22581653.

NM_000238.4(KCNH2):c.232G>C (p.Ala78Pro)

Gene: KCNH2 (potassium voltage-gated channel subfamily H member 2; minus strand). Cytogenetic location: 7q36.1.
Variant type: single nucleotide variant.
Coding change: c.232G>C on transcript NM_000238.4 (MANE Select); coding-DNA position 232, G replaced by C.
Protein change: p.Ala78Pro; replaces alanine 78 with proline.
Molecular consequence: missense variant.
Genome position (GRCh38, 1-based): chr7:150,974,786, C>G on the plus strand (G>C on the coding strand, the complement: KCNH2 is on the minus strand). VCF-style: chr7-150974786-C-G. GRCh37 (hg19) VCF-style: chr7-150671874-C-G.
Other names: c.232G>C (LRG_288t1); c.55G>C, p.Ala19Pro (NM_001406755.1); c.232G>C, p.Ala78Pro (NM_172056.3); short protein forms A78P, A19P.
Identifiers: ClinVar variation 67386 (VCV000067386.3), dbSNP rs199472848, ClinGen allele CA006454.
Genomic context (GRCh38, chr7:150,974,786, plus strand): 5'-AGGCGATTTCCACTTTGCGCTCCTCGGCGCCCAGCAGTGCCTGCGCGATCTGCGCGGCAG[C>G]GCGGCGCTGCGTGCGCGGCCCGTGCAGGAAGTCGCAGGTGCAGGGTCGCTGCATCACCTC-3'
Protein context (NP_000229.1, residues 68-88): FLHGPRTQRR[Ala78Pro]AAQIAQALLG